The following is an entry in ClinVar:

NM_006017.3(PROM1):c.59G>T (p.Gly20Val)

Gene: PROM1 (prominin 1; minus strand). Cytogenetic location: 4p15.32.
Variant type: single nucleotide variant.
Coding change: c.59G>T on transcript NM_006017.3 (MANE Select); coding-DNA position 59, G replaced by T.
Protein change: p.Gly20Val; replaces glycine 20 with valine.
Molecular consequence: missense variant.
Genome position (GRCh38, 1-based): chr4:16,075,848, C>A on the plus strand (G>T on the coding strand, the complement: PROM1 is on the minus strand). VCF-style: chr4-16075848-C-A. GRCh37 (hg19) VCF-style: chr4-16077471-C-A.
Other names: c.59G>T, p.Gly20Val (NM_001371408.1, NM_001371407.1, NM_001145847.2 and 6 more transcripts); short protein forms G20V.
Identifiers: ClinVar variation 2962404 (VCV002962404.3), dbSNP rs754063410, ClinGen allele CA2867196.

ClinVar aggregate classification (germline): Uncertain significance (1 of 4 stars; one submission).

Allele frequency attached by ClinVar (database versions not stated): gnomAD exomes 0.00002; ExAC 0.00005.
gnomAD v4.1: 25 of 1,613,656 alleles (0.0015%); highest among the groups gnomAD compares: South Asian, 0.026%; 1 homozygote.

Submission:

Labcorp Genetics (formerly Invitae), Labcorp
Classification: Uncertain significance. Last evaluated: 2024-03-13. Review status: criteria provided, single submitter. Criteria: Invitae Variant Classification Sherloc (09022015). Collection method: clinical testing. Allele origin: germline.
Comment: This sequence change replaces glycine, which is neutral and non-polar, with valine, which is neutral and non-polar, at codon 20 of the PROM1 protein (p.Gly20Val). This variant is present in population databases (rs754063410, gnomAD 0.03%). This variant has not been reported in the literature in individuals affected with PROM1-related conditions. Experimental studies and prediction algorithms are not available or were not evaluated, and the functional significance of this variant is currently unknown. In summary, the available evidence is currently insufficient to determine the role of this variant in disease. Therefore, it has been classified as a Variant of Uncertain Significance.